The following is an entry in ClinVar:

NM_001844.5(COL2A1):c.1636G>T (p.Gly546Cys)

Gene: COL2A1 (collagen type II alpha 1 chain; minus strand). Cytogenetic location: 12q13.11.
Variant type: single nucleotide variant.
Coding change: c.1636G>T on transcript NM_001844.5 (MANE Select); coding-DNA position 1636, G replaced by T.
Protein change: p.Gly546Cys; replaces glycine 546 with cysteine.
Molecular consequence: missense variant.
Genome position (GRCh38, 1-based): chr12:47,985,772, C>A on the plus strand (G>T on the coding strand, the complement: COL2A1 is on the minus strand). VCF-style: chr12-47985772-C-A. GRCh37 (hg19) VCF-style: chr12-48379555-C-A.
Other names: c.1429G>T, p.Gly477Cys (NM_033150.3); short protein forms G546C, G477C.
Identifiers: ClinVar variation 3640204 (VCV003640204.2).

ClinVar aggregate classification (germline): Pathogenic (1 of 4 stars; one submission).

Submission:

Labcorp Genetics (formerly Invitae), Labcorp
Classification: Pathogenic. Last evaluated: 2024-04-02. Review status: criteria provided, single submitter. Criteria: Invitae Variant Classification Sherloc (09022015). Collection method: clinical testing. Allele origin: germline.
Comment: This sequence change replaces glycine, which is neutral and non-polar, with cysteine, which is neutral and slightly polar, at codon 546 of the COL2A1 protein (p.Gly546Cys). This variant is not present in population databases (gnomAD no frequency). This missense change has been observed in individual(s) with COL2A1-related conditions (Invitae). Advanced modeling of protein sequence and biophysical properties (such as structural, functional, and spatial information, amino acid conservation, physicochemical variation, residue mobility, and thermodynamic stability) performed at Invitae indicates that this missense variant is expected to disrupt COL2A1 protein function with a positive predictive value of 95%. This variant disrupts the triple helix domain of COL2A1. Glycine residues within the Gly-Xaa-Yaa repeats of the triple helix domain are required for the structure and stability of fibrillar collagens (PMID: 7695699, 8218237, 19344236). In COL2A1, variants affecting these glycine residues are significantly enriched in individuals with disease (PMID: 9016532, 17078022) compared to the general population (ExAC). This variant disrupts the p.Gly546 amino acid residue in COL2A1. Other variant(s) that disrupt this residue have been observed in individuals with COL2A1-related conditions (PMID: 17994563, 24736929), which suggests that this may be a clinically significant amino acid residue. For these reasons, this variant has been classified as Pathogenic.

Literature cited by the submitters: PubMed 7695699; PubMed 8218237; PubMed 19344236; PubMed 9016532; PubMed 17078022; PubMed 17994563; PubMed 24736929.